The following is an entry in ClinVar:

NM_003331.5(TYK2):c.1913G>T (p.Arg638Leu)

Gene: TYK2 (tyrosine kinase 2; minus strand). Cytogenetic location: 19p13.2.
Variant type: single nucleotide variant.
Coding change: c.1913G>T on transcript NM_003331.5 (MANE Select); coding-DNA position 1913, G replaced by T.
Protein change: p.Arg638Leu; replaces arginine 638 with leucine.
Molecular consequence: missense variant. On other transcripts: intron variant (1).
Genome position (GRCh38, 1-based): chr19:10,361,816, C>A on the plus strand (G>T on the coding strand, the complement: TYK2 is on the minus strand). VCF-style: chr19-10361816-C-A. GRCh37 (hg19) VCF-style: chr19-10472492-C-A.
Other names: c.1913G>T, p.Arg638Leu (NM_001385197.1, NM_001385198.1, NM_001385200.1 and 2 more transcripts); c.1715G>T, p.Arg572Leu (NM_001385201.1); c.1829G>T, p.Arg610Leu (NM_001385202.1); c.1823G>T, p.Arg608Leu (NM_001385205.1); c.1787G>T, p.Arg596Leu (NM_001385206.1); c.1895G>T, p.Arg632Leu (NM_001385207.1); c.1774-218G>T (NM_001385199.1); short protein forms R572L, R596L, R608L, R610L, R632L, R638L.
Identifiers: ClinVar variation 1061149 (VCV001061149.7), dbSNP rs780399902, ClinGen allele CA404002344.

ClinVar aggregate classification (germline): Uncertain significance (1 of 4 stars; one submission).

Conditions:
Immunodeficiency 35 (IMD35). Also called: Susceptibility to infection due to TYK2 deficiency; HIES WITH ATYPICAL MYCOBACTERIOSIS, AUTOSOMAL RECESSIVE; HYPER-IgE SYNDROME WITH ATYPICAL MYCOBACTERIOSIS, AUTOSOMAL RECESSIVE; TYK2 DEFICIENCY. Identifiers: Orphanet 331226, MedGen C1969086, MONDO:0012682, OMIM 611521.

Submission:

Labcorp Genetics (formerly Invitae), Labcorp
Classification: Uncertain significance for Immunodeficiency 35. Last evaluated: 2020-09-09. Review status: criteria provided, single submitter. Criteria: Invitae Variant Classification Sherloc (09022015). Collection method: clinical testing. Allele origin: germline.
Comment: This sequence change replaces arginine with leucine at codon 638 of the TYK2 protein (p.Arg638Leu). The arginine residue is highly conserved and there is a moderate physicochemical difference between arginine and leucine. This variant is not present in population databases (ExAC no frequency). This variant has not been reported in the literature in individuals with TYK2-related conditions. Algorithms developed to predict the effect of missense changes on protein structure and function are either unavailable or do not agree on the potential impact of this missense change (SIFT: "Not Available"; PolyPhen-2: "Probably Damaging"; Align-GVGD: "Not Available"). In summary, the available evidence is currently insufficient to determine the role of this variant in disease. Therefore, it has been classified as a Variant of Uncertain Significance.